The following is an entry in ClinVar:

ClinVar aggregate classification (germline): Conflicting classifications of pathogenicity. Review status: criteria provided, conflicting classifications (1 of 4 stars). 3 submissions from 3 submitters: Uncertain significance (2); Benign (1). Last evaluated 2025-03-22.

Conditions:
Inborn genetic diseases. Identifiers: MedGen C0950123, MeSH D030342.

Allele frequency attached by ClinVar (database versions not stated): ExAC 0.00007; gnomAD exomes 0.00003.
gnomAD v4.1: 49 of 1,611,538 alleles (0.003%); highest among the groups gnomAD compares: South Asian, 0.02%; no homozygotes.

Submissions (3):

Labcorp Genetics (formerly Invitae), Labcorp
Classification: Benign. Last evaluated: 2025-03-22. Review status: criteria provided, single submitter. Criteria: Invitae Variant Classification Sherloc (09022015). Collection method: clinical testing. Allele origin: germline.

Ambry Genetics
Classification: Uncertain significance for Inborn genetic diseases. Last evaluated: 2024-06-17. Review status: criteria provided, single submitter. Criteria: Ambry Variant Classification Scheme 2023. Collection method: clinical testing. Allele origin: germline.

GeneDx
Classification: Uncertain significance. Last evaluated: 2023-05-31. Review status: criteria provided, single submitter. Criteria: GeneDx Variant Classification Process June 2021. Collection method: clinical testing. Allele origin: germline. Affected: yes.
Comment: Not observed at significant frequency in large population cohorts (gnomAD); In silico analysis supports that this missense variant does not alter protein structure/function; Has not been previously published as pathogenic or benign to our knowledge

NM_032119.4(ADGRV1):c.11060G>A (p.Arg3687His)

Gene: ADGRV1 (adhesion G protein-coupled receptor V1; plus strand). Cytogenetic location: 5q14.3.
Variant type: single nucleotide variant.
Coding change: c.11060G>A on transcript NM_032119.4 (MANE Select); coding-DNA position 11060, G replaced by A.
Protein change: p.Arg3687His; replaces arginine 3687 with histidine.
Molecular consequence: missense variant. On other transcripts: non-coding transcript variant (1).
Genome position (GRCh38, 1-based): chr5:90,750,636, G>A. VCF-style: chr5-90750636-G-A. GRCh37 (hg19) VCF-style: chr5-90046453-G-A.
Other names: short protein forms R3687H.
Identifiers: ClinVar variation 2505839 (VCV002505839.5), dbSNP rs762481926, ClinGen allele CA3340886.